The following is an entry in ClinVar:

ClinVar aggregate classification (germline): Uncertain significance (1 of 4 stars; one submission).

Conditions:
HYPERHOMOCYSTEINEMIA, THROMBOTIC, CBS-RELATED. Identifiers: MedGen C3150344, OMIM 236200.

Submission:

Labcorp Genetics (formerly Invitae), Labcorp
Classification: Uncertain significance for HYPERHOMOCYSTEINEMIA, THROMBOTIC, CBS-RELATED. Last evaluated: 2020-12-07. Review status: criteria provided, single submitter. Criteria: Invitae Variant Classification Sherloc (09022015). Collection method: clinical testing. Allele origin: germline.
Comment: This variant results in a copy number gain of the genomic region encompassing the full coding sequence of the CBS gene. The boundaries of this event are unknown as they extend beyond the assayed region for this gene and therefore may encompass additional genes. As the precise location of this event is unknown, it may be in tandem or it may be located elsewhere in the genome. This variant has not been reported in the literature in individuals with CBS-related conditions. Experimental studies and prediction algorithms are not available or were not evaluated, and the functional significance of this variant is currently unknown. In summary, the available evidence is currently insufficient to determine the role of this variant in disease. Therefore, it has been classified as a Variant of Uncertain Significance.

NC_000021.8:g.(?_44472301)_(44497040_?)dup

Gene: CBS (cystathionine beta-synthase; minus strand). Cytogenetic location: 21q22.3.
Variant type: Duplication.
Identifiers: ClinVar variation 1440493 (VCV001440493.1).